The following is an entry in ClinVar:

NM_020699.4(GATAD2B):c.1171A>G (p.Met391Val)

Gene: GATAD2B (GATA zinc finger domain containing 2B; minus strand). Cytogenetic location: 1q21.3.
Variant type: single nucleotide variant.
Coding change: c.1171A>G on transcript NM_020699.4 (MANE Select); coding-DNA position 1171, A replaced by G.
Protein change: p.Met391Val; replaces methionine 391 with valine.
Molecular consequence: missense variant.
Genome position (GRCh38, 1-based): chr1:153,816,318, T>C on the plus strand (A>G on the coding strand, the complement: GATAD2B is on the minus strand). VCF-style: chr1-153816318-T-C. GRCh37 (hg19) VCF-style: chr1-153788794-T-C.
Other names: short protein forms M391V.
Identifiers: ClinVar variation 3393649 (VCV003393649.1).

ClinVar aggregate classification (germline): Uncertain significance (1 of 4 stars; one submission).

Submission:

GeneDx
Classification: Uncertain significance. Last evaluated: 2024-07-01. Review status: criteria provided, single submitter. Criteria: GeneDx Variant Classification Process June 2021. Collection method: clinical testing. Allele origin: germline. Affected: yes.
Comment: Not observed at significant frequency in large population cohorts (gnomAD); In silico analysis indicates that this missense variant does not alter protein structure/function; Has not been previously published as pathogenic or benign to our knowledge